The following is an entry in ClinVar:

ClinVar aggregate classification (germline): Uncertain significance (1 of 4 stars; one submission).

Conditions:
Generalized epilepsy-paroxysmal dyskinesia syndrome (PNKD3). Also called: Paroxysmal nonkinesigenic dyskinesia, 3, with or without generalized epilepsy; Generalized epilepsy and paroxysmal dyskinesia. Identifiers: Orphanet 79137, MedGen C5574945, MONDO:0012276, OMIM 609446.

Submission:

Labcorp Genetics (formerly Invitae), Labcorp
Classification: Uncertain significance for Generalized epilepsy-paroxysmal dyskinesia syndrome. Last evaluated: 2019-07-20. Review status: criteria provided, single submitter. Criteria: Invitae Variant Classification Sherloc (09022015). Collection method: clinical testing. Allele origin: germline.
Comment: In summary, the available evidence is currently insufficient to determine the role of this variant in disease. Therefore, it has been classified as a Variant of Uncertain Significance. Algorithms developed to predict the effect of missense changes on protein structure and function (SIFT, PolyPhen-2, Align-GVGD) all suggest that this variant is likely to be tolerated, but these predictions have not been confirmed by published functional studies and their clinical significance is uncertain. This variant has not been reported in the literature in individuals with KCNMA1-related conditions. This variant is not present in population databases (ExAC no frequency). This sequence change replaces threonine with asparagine at codon 723 of the KCNMA1 protein (p.Thr723Asn). The threonine residue is weakly conserved and there is a small physicochemical difference between threonine and asparagine.

NM_001161352.2(KCNMA1):c.2342C>A (p.Thr781Asn)

Genes: KCNMA1-AS1 (KCNMA1 antisense RNA 1; plus strand), KCNMA1 (potassium calcium-activated channel subfamily M alpha 1; minus strand). Cytogenetic location: 10q22.3.
Variant type: single nucleotide variant.
Coding change: c.2342C>A on transcript NM_001161352.2 (MANE Select); coding-DNA position 2342, C replaced by A.
Protein change: p.Thr781Asn; replaces threonine 781 with asparagine.
Molecular consequence: missense variant.
Genome position (GRCh38, 1-based): chr10:76,969,992, G>T on the plus strand (C>A on the coding strand, the complement: KCNMA1 is on the minus strand). VCF-style: chr10-76969992-G-T. GRCh37 (hg19) VCF-style: chr10-78729750-G-T.
Other names: c.2180C>A, p.Thr727Asn (NM_001014797.3, NM_001322835.2, NM_001322837.2); c.2168C>A, p.Thr723Asn (NM_001161353.2, NM_001322832.2, NM_002247.4); c.2018C>A, p.Thr673Asn (NM_001271518.2); c.2177C>A, p.Thr726Asn (NM_001271519.2, NM_001322829.2, NM_001322836.2); c.2189C>A, p.Thr730Asn (NM_001322830.2); c.1715C>A, p.Thr572Asn (NM_001322838.2); short protein forms T730N, T572N, T723N, T726N, T781N, T673N, T727N.
Identifiers: ClinVar variation 948676 (VCV000948676.10), dbSNP rs976855600, ClinGen allele CA377408344.